The following is an entry in ClinVar:

ClinVar aggregate classification (germline): Benign/Likely benign. Review status: criteria provided, multiple submitters, no conflicts (2 of 4 stars). 4 submissions from 4 submitters: Benign (1); Likely benign (3). Last evaluated 2025-07-19.

Conditions:
Hereditary cancer-predisposing syndrome. Also called: Tumor predisposition; Hereditary Cancer Syndrome; Hereditary neoplastic syndrome; Neoplastic Syndromes, Hereditary. Identifiers: Orphanet 140162, MedGen C0027672, MeSH D009386, MONDO:0015356.
Hereditary leiomyomatosis and renal cell cancer. Also called: MULTIPLE CUTANEOUS AND UTERINE LEIOMYOMATA 1, WITH OR WITHOUT RENAL CELL CARCINOMA; LEIOMYOMA, MULTIPLE CUTANEOUS; Familial leiomyomatosis; FH tumor predisposition syndrome; Reed syndrome; Multiple cutaneous and uterine leiomyomatosis. Identifiers: Orphanet 523, MedGen C1708350, MONDO:0007888, OMIM 150800, HP:0007437. Disease mechanism: loss of function.

gnomAD v4.1: 1 of 1,614,040 alleles (0.000062%); highest among the groups gnomAD compares: Non-Finnish European, 0.000085%; no homozygotes.

Submissions (4):

Ambry Genetics
Classification: Likely benign for Hereditary cancer-predisposing syndrome. Last evaluated: 2025-07-19. Review status: criteria provided, single submitter. Criteria: Ambry Variant Classification Scheme 2023. Collection method: clinical testing. Allele origin: germline.

Center for Genomic Medicine, Rigshospitalet, Copenhagen University Hospital
Classification: Likely benign. Last evaluated: 2025-03-04. Review status: criteria provided, single submitter. Criteria: ACMG Guidelines, 2015. Collection method: clinical testing. Allele origin: germline.

Myriad Genetics, Inc.
Classification: Benign for Hereditary leiomyomatosis and renal cell cancer. Last evaluated: 2024-10-21. Review status: criteria provided, single submitter. Criteria: Myriad Autosomal Dominant, Autosomal Recessive and X-Linked Classification Criteria (2023). Collection method: clinical testing. Allele origin: unknown.
Comment: This variant is considered benign. This variant is a silent/synonymous amino acid change and it is not expected to impact splicing.

Labcorp Genetics (formerly Invitae), Labcorp
Classification: Likely benign. Last evaluated: 2021-06-05. Review status: criteria provided, single submitter. Criteria: Invitae Variant Classification Sherloc (09022015). Collection method: clinical testing. Allele origin: germline.

NM_000143.4(FH):c.1326A>G (p.Thr442=)

Gene: FH (fumarate hydratase; minus strand). Cytogenetic location: 1q43.
Variant type: single nucleotide variant.
Coding change: c.1326A>G on transcript NM_000143.4 (MANE Select); coding-DNA position 1326, A replaced by G.
Protein change: p.Thr442=; no amino-acid change (threonine 442 retained).
Molecular consequence: synonymous variant.
Genome position (GRCh38, 1-based): chr1:241,500,501, T>C on the plus strand (A>G on the coding strand, the complement: FH is on the minus strand). VCF-style: chr1-241500501-T-C. GRCh37 (hg19) VCF-style: chr1-241663801-T-C.
Other names: c.1326A>G (NM_000143.3).
Identifiers: ClinVar variation 1133965 (VCV001133965.13), dbSNP rs2147913140, ClinGen allele CA424075489.
Genomic context (GRCh38, chr1:241,500,501, plus strand): 5'-ATGAGGATTGAGAGCTGTCACCAACATTAGAGACTCATTCATCAGCTTGTTGATCCTTTC[T>C]GTATTGGCCTGGATTCCCACCACGCAGTTTTCTGTAAAGGAAACTGAAGCATCCCCCAGC-3'
Protein context (NP_000134.2, residues 432-452): ENCVVGIQAN[Thr442=]ERINKLMNES